The following is an entry in ClinVar:

ClinVar aggregate classification (germline): Likely pathogenic (1 of 4 stars; one submission).

Conditions:
Rare genetic deafness. Identifiers: Orphanet 96210, MedGen C5680250.

Submission:

Laboratory for Molecular Medicine, Mass General Brigham Personalized Medicine
Classification: Likely pathogenic for Rare genetic deafness. Last evaluated: 2017-01-13. Review status: criteria provided, single submitter. Criteria: LMM Criteria. Collection method: clinical testing. Allele origin: germline. Inheritance: Autosomal recessive inheritance. Observed: 4 variant alleles.
Comment: The c.9335_9371+8063del variant in USH2A is a partial deletion of exon and intro n 47. While a variant with these exact breakpoints has not been previously repo rted, several deletions of exon 47 have been previously reported in individuals with Usher syndrome, many of whom were homozygous or had a second variant on the remaining USH2A allele (Baux 2014, Bonnet 2016, Dreyer 2008, Le Quesne Stabej 2 012). This variant deletes the last 37 nucleotides of exon 47 and 8063 nucleotid es in intron 47, and therefore, it disrupts the 5' splice site of exon 47. This variant is highly likely to disrupt splicing, though whether it would result in a truncated or absent protein cannot be determined. In summary, although additio nal studies are required to fully establish its clinical significance, this vari ant is likely pathogenic for autosomal recessive Usher syndrome.

Literature cited by the submitters: PubMed 23924366; PubMed 22135276; PubMed 18273898; PubMed 24944099; PubMed 27460420.

NM_206933.2(USH2A):c.9335_9371+8063del

Gene: USH2A (usherin; minus strand). Cytogenetic location: 1q41.
Variant type: Deletion.
Coding change: c.9335_9371+8063del on transcript NM_206933.2; coding-DNA position 9335 through 8063 bases into the intron after coding-DNA position 9371, 8,100 bases deleted.
Molecular consequence: splice donor variant (on NM_206933.4).
Genome position (GRCh38, 1-based): chr1:215,829,927-215,838,026, 8,100 bases deleted. GRCh37 (hg19): chr1:216,003,271-216,011,370.
Other names: c.9336_9371+8064del (NM_206933.4).
Identifiers: ClinVar variation 505591 (VCV000505591.4), ClinGen allele CA658795592.